The following is an entry in ClinVar:

NM_015046.7(SETX):c.70A>G (p.Asn24Asp)

Gene: SETX (senataxin; minus strand). Cytogenetic location: 9q34.13.
Variant type: single nucleotide variant.
Coding change: c.70A>G on transcript NM_015046.7 (MANE Select); coding-DNA position 70, A replaced by G.
Protein change: p.Asn24Asp; replaces asparagine 24 with aspartic acid.
Molecular consequence: missense variant.
Genome position (GRCh38, 1-based): chr9:132,349,359, T>C on the plus strand (A>G on the coding strand, the complement: SETX is on the minus strand). VCF-style: chr9-132349359-T-C. GRCh37 (hg19) VCF-style: chr9-135224746-T-C.
Other names: c.70A>G, p.Asn24Asp (NM_001351527.2, NM_001351528.2); short protein forms N24D.
Identifiers: ClinVar variation 4689199 (VCV004689199.1).

ClinVar aggregate classification (germline): Uncertain significance (1 of 4 stars; one submission).

gnomAD v4.1: 1 of 1,614,152 alleles (0.000062%); highest among the groups gnomAD compares: South Asian, 0.0011%; no homozygotes.

Submission:

Women's Health and Genetics/Laboratory Corporation of America, LabCorp
Classification: Uncertain significance. Last evaluated: 2026-01-20. Review status: criteria provided, single submitter. Criteria: LabCorp Variant Classification Summary - May 2015. Collection method: clinical testing. Allele origin: germline.
Comment: Variant summary: SETX c.70A>G (p.Asn24Asp) results in a conservative amino acid change in the encoded protein sequence. Algorithms developed to predict the effect of missense changes on protein structure and function all suggest that this variant is likely to be tolerated. The variant allele was found at a frequency of 4e-06 in 251494 control chromosomes. The available data on variant occurrences in the general population are insufficient to allow any conclusion about variant significance. To our knowledge, no occurrence of c.70A>G in individuals affected with SETX-related conditions and no experimental evidence demonstrating its impact on protein function have been reported. No submitters have cited clinical-significance assessments for this variant to ClinVar. Based on the evidence outlined above, the variant was classified as uncertain significance.